The following is an entry in ClinVar:

NM_000341.4(SLC3A1):c.1400T>C (p.Met467Thr)

Gene: SLC3A1 (solute carrier family 3 member 1; plus strand). Cytogenetic location: 2p21.
Variant type: single nucleotide variant.
Coding change: c.1400T>C on transcript NM_000341.4 (MANE Select); coding-DNA position 1400, T replaced by C.
Protein change: p.Met467Thr; replaces methionine 467 with threonine.
Molecular consequence: missense variant.
Genome position (GRCh38, 1-based): chr2:44,312,653, T>C. VCF-style: chr2-44312653-T-C. GRCh37 (hg19) VCF-style: chr2-44539792-T-C.
Other names: short protein forms M467T.
Identifiers: ClinVar variation 18115 (VCV000018115.70), dbSNP rs121912691, ClinGen allele CA127830.
Genomic context (GRCh38, chr2:44,312,653, plus strand): 5'-GACCAGACAGTTCACGGCTGACTTCGCGTTTGGGGAATCAGTATGTCAACGTGATGAACA[T>C]GCTTCTTTTCACACTCCCTGGAACTCCTATAACTTACTATGGAGAAGAAATTGGAATGGG-3'
Protein context (NP_000332.2, residues 457-477): LGNQYVNVMN[Met467Thr]LLFTLPGTPI

ClinVar aggregate classification (germline): Pathogenic/Likely pathogenic. Review status: criteria provided, multiple submitters, no conflicts (2 of 4 stars). 36 submissions from 36 submitters: Pathogenic (25); Likely pathogenic (5). 6 of the submissions do not count toward it. Last evaluated 2026-08-03.

Conditions:
SLC3A1-related disorder. Also called: SLC3A1-related condition.
Kidney disorder. Also called: Kidney disease; Kidney Diseases; renal disease; Nephropathy; renal disorder. Identifiers: MedGen C0022658, MONDO:0005240, HP:0000112.
Inborn genetic diseases. Identifiers: MedGen C0950123, MeSH D030342.
Cystinuria (CSNU). Also called: Cystinuria, non-type I; CYSTINURIA, TYPE I; CYSTINURIA, TYPE II; CYSTINURIA, TYPE III. Identifiers: Orphanet 214, MedGen C0010691, MONDO:0009067, OMIM 220100, HP:0003131.

Allele frequency attached by ClinVar (database versions not stated): TOPMed 0.00234; gnomAD 0.00175; 1000 Genomes Project 0.00040; 1000 Genomes Project 30x 0.00047.
gnomAD v4.1: 5,102 of 1,613,910 alleles (0.32%); highest among the groups gnomAD compares: Non-Finnish European, 0.38%; 12 homozygotes.

Submissions 1 to 10 of 36:

Genelabs Medical  (pvt) Ltd
Classification: Pathogenic for Cystinuria. Last evaluated: 2026-08-03. Review status: criteria provided, single submitter. Criteria: ACMG Guidelines, 2015. Collection method: clinical testing. Allele origin: germline. Inheritance: Autosomal recessive inheritance. Affected: no. Observed: 1 heterozygote.
Comment: The missense variant NM_000341.4(SLC3A1):c.1400T>C (p.Met467Thr) has been reported in multiple individuals affected with cystinuria, including 25 homozygous, 43 compound heterozygous, and 22 heterozygous individuals across independent studies (PMIDs: 16138908, 15635077, 8054986, 18332091, 12234283). This nucleotide change results in a missense substitution at codon 467 of the SLC3A1 gene, replacing methionine with threonine. Although the variant is not located within a UniProt-annotated functional domain, regional constraint analyses support the functional relevance of this residue. MetaDome analysis demonstrates a high intolerance score of 0.88, and the affected exon contains 11 pathogenic/likely pathogenic variants and no benign/likely benign variants, supporting the importance of this region. Additionally, other pathogenic missense substitutions affecting the same codon, c.1400T>A and c.1401G>C, have been reported, supporting the functional importance of this residue. In silico prediction using REVEL yielded a score of 0.907, supporting a deleterious effect on protein function. Pathogenic variation in SLC3A1 is a well-established cause of autosomal recessive cystinuria, and missense variants are an established disease mechanism. The variant is relatively frequent in population databases, with an allele frequency of approximately 0.0038 in Non-Finnish Europeans, including reported homozygous individuals; however, this observation is compatible with an autosomal recessive condition and does not outweigh the strong clinical and genetic evidence supporting pathogenicity. Based on the cumulative evidence, this variant is classified as Pathogenic. (PM3_VeryStrong, PM1, PM5, PP3, BS2)

CeGaT Center for Human Genetics Tuebingen
Classification: Pathogenic. Last evaluated: 2026-05-01. Review status: criteria provided, single submitter. Criteria: CeGaT Center For Human Genetics Tuebingen Variant Classification Criteria Version 2. Collection method: clinical testing. Allele origin: germline. Affected: yes. Observed: 5 variant alleles.
Comment: SLC3A1: PM3:Very Strong, PM2:Supporting, PS3:Supporting

Clinical Genomics Laboratory, Washington University in St. Louis
Classification: Pathogenic for Cystinuria. Last evaluated: 2026-03-12. Review status: criteria provided, single submitter. Criteria: ACMG Guidelines, 2015. Collection method: clinical testing. Allele origin: germline. Affected: yes.
Comment: The SLC3A1 c.1400T>C (p.Met467Thr) variant is one of the most commonly reported variants across multiple ethnic groups with type I cystinuria and is observed in either the compound heterozygous or homozygous state. It is also reported to segregate with disease in multiple families (Eggermann T et al., PMID: 22480232; Font-Llitjós M et al., PMID: 15635077). The highest population minor allele frequency in the population database genome aggregation database (v.4.1.0) is 0.59% in the Ashkenazi Jewish population. Computational predictors indicate that the variant is damaging, evidence that correlates with impact to SLC3A1 function. Functional studies show delayed transport of protein, indicating that this variant impacts protein function (Bartoccioni P et al., PMID: 18332091; Chillarón J et al., PMID: 9083097). Other variants in the same codon, (p.Met467Ile, p.Met467Lys, p.Met467Val), have been reported in affected individuals (Bisceglia L et al., PMID: 8792820; Calonge MJ et al., PMID: 8054986; Popovska-Jankovic K et al., PMID: 23532419; Shen L et al., PMID: 28689648; ClinVar Variation IDs: 3359161; 18116). This variant has been reported in the ClinVar database as a pathogenic or likely pathogenic variant by over 30 submitters. Based on available information and the ACMG/AMP guidelines for variant interpretation (Richards S et al., PMID: 25741868), this variant is classified as pathogenic.

Dasa
Classification: Pathogenic. Last evaluated: 2026-02-09. Review status: criteria provided, single submitter. Criteria: DASA Assertion Criteria. Collection method: clinical testing. Allele origin: germline.
Comment: NM_000341.4(SLC3A1):c.1400T>C (p.Met467Thr) is a missense variant that results in the substitution of methionine with threonine. Functional evidence supports a deleterious effect on the gene or gene product (PMID: 8054986; PMID: 9083097; PMID: 18332091; PMID: 8792820; PMID: 21677404). This variant has been recurrently observed in individuals with related phenotype (PMID: 8054986; PMID: 9083097; PMID: 18332091; PMID: 8792820; PMID: 21677404). Segregation evidence has been reported in affected families. Multiple computational predictions support a deleterious effect on the gene or gene product. The variant is present at low frequency in population datasets. Based on the available data, this variant is classified as pathogenic.

Labcorp Genetics (formerly Invitae), Labcorp
Classification: Pathogenic for Cystinuria. Last evaluated: 2026-01-28. Review status: criteria provided, single submitter. Criteria: Invitae Variant Classification Sherloc (09022015). Collection method: clinical testing. Allele origin: germline.
Comment: This sequence change replaces methionine, which is neutral and non-polar, with threonine, which is neutral and polar, at codon 467 of the SLC3A1 protein (p.Met467Thr). This variant is present in population databases (rs121912691, gnomAD 0.6%), and has an allele count higher than expected for a pathogenic variant. This missense change has been observed in individual(s) with cystinuria (PMID: 8054986, 8792820, 21677404). It has also been observed to segregate with disease in related individuals. ClinVar contains an entry for this variant (Variation ID: 18115). Invitae Evidence Modeling of protein sequence and biophysical properties (such as structural, functional, and spatial information, amino acid conservation, physicochemical variation, residue mobility, and thermodynamic stability) has been performed for this missense variant. However, the output from this modeling did not meet the statistical confidence thresholds required to predict the impact of this variant on SLC3A1 protein function. Experimental studies have shown that this missense change affects SLC3A1 function (PMID: 8054986, 9083097, 18332091). For these reasons, this variant has been classified as Pathogenic.

Rare Kidney Stone Consortium and the Mayo Clinic Hyperoxaluria Center, Mayo Clinic
Classification: Pathogenic for Cystinuria. Last evaluated: 2025-10-03. Review status: criteria provided, single submitter. Criteria: ACMG Guidelines, 2015. Collection method: research. Allele origin: germline. Affected: yes. Observed: 3 variant alleles.

Mayo Clinic Laboratories, Mayo Clinic
Classification: Pathogenic. Last evaluated: 2025-08-05. Review status: criteria provided, single submitter. Criteria: ACMG Guidelines, 2015. Collection method: clinical testing. Allele origin: germline. Observed: 2 variant alleles.
Comment: PP1, PP3_moderate, PM3_very_strong, PS3_supporting, PS4_moderate

First Genomix Gene Laboratory, Genetic Diagnostics Department
Classification: Pathogenic for Cystinuria. Last evaluated: 2025-03-27. Review status: criteria provided, single submitter. Criteria: ACMG Guidelines, 2015. Collection method: clinical testing. Allele origin: germline. Inheritance: Autosomal recessive inheritance. Affected: no. Observed: 1 variant allele.

Variantyx, Inc.
Classification: Likely pathogenic for Cystinuria. Last evaluated: 2025-03-11. Review status: criteria provided, single submitter. Criteria: Variantyx Assertion Criteria 2022. Collection method: clinical testing. Allele origin: germline.
Comment: This is a nonsynonymous variant in the SLC3A1 gene (OMIM: 104614). Pathogenic variants in this gene have been associated with autosomal dominant cystinuria with reduced penetrance or autosomal recessive cystinuria. This variant has been identified in the homozygous or compound heterozygous state in at least four individual(s) from the published literature (PMID: 8054986, 25296721, 33532864, 25964309) (PM3_Strong). This variant has been observed to segregate with disease in at least two individuals from one family (PMID: 8054986) (PP1). Functional studies have shown that this variant alters SLC3A1 protein function (PMID: 8054986, 18332091, 9083097) (PS3_Supporting). Multiple computational algorithms predict a deleterious effect for this variant (REVEL score: 0.907) (PP3_Moderate). This variant has a 0.3794% maximum allele frequency in non-founder control populations, including multiple heterozygous individuals (gnomAD). Based on the current evidence, this variant is classified as likely pathogenic for autosomal recessive cystinuria.

Blueprint Genetics
Classification: Pathogenic for SLC3A1-related disorders. Last evaluated: 2024-11-18. Review status: criteria provided, single submitter. Criteria: ACMG Guidelines, 2015. Collection method: clinical testing. Allele origin: germline. Affected: yes. Observed: 5 variant alleles.